The following is an entry in ClinVar:

ClinVar aggregate classification (germline): Uncertain significance (1 of 4 stars; one submission).

Conditions:
Early-onset Parkinson disease 20. Also called: PARKINSON DISEASE 20, AUTOSOMAL RECESSIVE EARLY-ONSET. Identifiers: Orphanet 391411, MedGen C3809824, MONDO:0014233, OMIM 615530.
Developmental and epileptic encephalopathy, 53. Also called: Epileptic encephalopathy, early infantile, 53. Identifiers: MedGen C4479313, MONDO:0033362, OMIM 617389.

Allele frequency attached by ClinVar (database versions not stated): gnomAD exomes below 0.00001 and 0.00001.
gnomAD v4.1: 20 of 1,614,220 alleles (0.0012%); highest among the groups gnomAD compares: Non-Finnish European, 0.0017%; no homozygotes.

Submission:

Labcorp Genetics (formerly Invitae), Labcorp
Classification: Uncertain significance for Developmental and epileptic encephalopathy, 53; Early-onset Parkinson disease 20. Last evaluated: 2021-01-20. Review status: criteria provided, single submitter. Criteria: Invitae Variant Classification Sherloc (09022015). Collection method: clinical testing. Allele origin: germline.
Comment: This sequence change replaces serine with proline at codon 144 of the SYNJ1 protein (p.Ser144Pro). The serine residue is highly conserved and there is a moderate physicochemical difference between serine and proline. This variant is not present in population databases (ExAC no frequency). In summary, the available evidence is currently insufficient to determine the role of this variant in disease. Therefore, it has been classified as a Variant of Uncertain Significance. Algorithms developed to predict the effect of missense changes on protein structure and function (SIFT, PolyPhen-2, Align-GVGD) all suggest that this variant is likely to be disruptive, but these predictions have not been confirmed by published functional studies and their clinical significance is uncertain. This variant has not been reported in the literature in individuals with SYNJ1-related conditions.

NM_203446.3(SYNJ1):c.313T>C (p.Ser105Pro)

Gene: SYNJ1 (synaptojanin 1; minus strand). Cytogenetic location: 21q22.11.
Variant type: single nucleotide variant.
Coding change: c.313T>C on transcript NM_203446.3 (MANE Select); coding-DNA position 313, T replaced by C.
Protein change: p.Ser105Pro; replaces serine 105 with proline.
Molecular consequence: missense variant.
Genome position (GRCh38, 1-based): chr21:32,700,004, A>G on the plus strand (T>C on the coding strand, the complement: SYNJ1 is on the minus strand). VCF-style: chr21-32700004-A-G. GRCh37 (hg19) VCF-style: chr21-34072314-A-G.
Other names: c.313T>C, p.Ser105Pro (NM_001160302.2, NM_001160306.2); c.430T>C, p.Ser144Pro (NM_003895.4); short protein forms S105P, S144P.
Identifiers: ClinVar variation 1352056 (VCV001352056.8), dbSNP rs1458389261, ClinGen allele CA410101739.